The following is an entry in ClinVar:

ClinVar aggregate classification (germline): Benign/Likely benign. Review status: criteria provided, multiple submitters, no conflicts (2 of 4 stars). 4 submissions from 4 submitters: Benign (2); Likely benign (2). Last evaluated 2026-04-01.

Conditions:
SPEG-related disorder. Also called: SPEG-related condition.

Allele frequency attached by ClinVar (database versions not stated): gnomAD 0.00004 and 0.00047; TOPMed 0.00008; gnomAD exomes 0.00058 and 0.00239; 1000 Genomes Project 0.00300; 1000 Genomes Project 30x 0.00344; ExAC 0.00998.

Submissions (4):

CeGaT Center for Human Genetics Tuebingen
Classification: Benign. Last evaluated: 2026-04-01. Review status: criteria provided, single submitter. Criteria: CeGaT Center For Human Genetics Tuebingen Variant Classification Criteria Version 2. Collection method: clinical testing. Allele origin: germline. Affected: yes. Observed: 1 variant allele.
Comment: SPEG: BP4, BP7, BS1, BS2

Labcorp Genetics (formerly Invitae), Labcorp
Classification: Likely benign. Last evaluated: 2025-12-20. Review status: criteria provided, single submitter. Criteria: Invitae Variant Classification Sherloc (09022015). Collection method: clinical testing. Allele origin: germline.

PreventionGenetics, part of Exact Sciences
Classification: Benign for SPEG-related condition. Last evaluated: 2025-08-13. Review status: criteria provided, single submitter. Criteria: ACMG Guidelines, 2015. Collection method: clinical testing. Allele origin: germline.
Comment: This variant is classified as benign based on ACMG/AMP sequence variant interpretation guidelines (Richards et al. 2015 PMID: 25741868, with internal and published modifications).

Blueprint Genetics
Classification: Likely benign. Last evaluated: 2024-08-29. Review status: criteria provided, single submitter. Criteria: ACMG Guidelines, 2015. Collection method: clinical testing. Allele origin: germline.

NM_005876.5(SPEG):c.1314G>A (p.Gln438=)

Gene: SPEG (striated muscle enriched protein kinase; plus strand). Cytogenetic location: 2q35.
Variant type: single nucleotide variant.
Coding change: c.1314G>A on transcript NM_005876.5 (MANE Select); coding-DNA position 1314, G replaced by A.
Protein change: p.Gln438=; no amino-acid change (glutamine 438 retained).
Molecular consequence: synonymous variant.
Genome position (GRCh38, 1-based): chr2:219,448,472, G>A. VCF-style: chr2-219448472-G-A. GRCh37 (hg19) VCF-style: chr2-220313194-G-A.
Identifiers: ClinVar variation 738675 (VCV000738675.14), dbSNP rs369373336, ClinGen allele CA2125688.